The following is an entry in ClinVar:

ClinVar aggregate classification (germline): Uncertain significance (1 of 4 stars; one submission).

Allele frequency attached by ClinVar (database versions not stated): gnomAD 0.00001; gnomAD exomes 0.00005; ExAC 0.00006.
gnomAD v4.1: 24 of 1,613,994 alleles (0.0015%); highest among the groups gnomAD compares: Admixed American, 0.018%; no homozygotes.

Submission:

Labcorp Genetics (formerly Invitae), Labcorp
Classification: Uncertain significance. Last evaluated: 2024-12-02. Review status: criteria provided, single submitter. Criteria: Invitae Variant Classification Sherloc (09022015). Collection method: clinical testing. Allele origin: germline.
Comment: This sequence change creates a premature translational stop signal (p.Arg170*) in the NDUFB8 gene. While this is not anticipated to result in nonsense mediated decay, it is expected to disrupt the last 17 amino acid(s) of the NDUFB8 protein. This variant is present in population databases (rs761712789, gnomAD 0.03%). This variant has not been reported in the literature in individuals affected with NDUFB8-related conditions. ClinVar contains an entry for this variant (Variation ID: 1500345). Experimental studies and prediction algorithms are not available or were not evaluated, and the functional significance of this variant is currently unknown. Algorithms developed to predict the effect of sequence changes on RNA splicing suggest that this variant may disrupt the consensus splice site. In summary, the available evidence is currently insufficient to determine the role of this variant in disease. Therefore, it has been classified as a Variant of Uncertain Significance.

NM_005004.4(NDUFB8):c.508C>T (p.Arg170Ter)

Gene: NDUFB8 (NADH:ubiquinone oxidoreductase subunit B8; minus strand). Cytogenetic location: 10q24.31.
Variant type: single nucleotide variant.
Coding change: c.508C>T on transcript NM_005004.4 (MANE Select); coding-DNA position 508, C replaced by T.
Protein change: p.Arg170Ter; replaces arginine 170 with a stop codon.
Molecular consequence: nonsense. On other transcripts: 3 prime UTR variant (1).
Genome position (GRCh38, 1-based): chr10:100,523,890, G>A on the plus strand (C>T on the coding strand, the complement: NDUFB8 is on the minus strand). VCF-style: chr10-100523890-G-A. GRCh37 (hg19) VCF-style: chr10-102283647-G-A.
Other names: c.*199C>T (NM_001284367.2); c.415C>T, p.Arg139Ter (NM_001284368.1); short protein forms R139*, R170*.
Identifiers: ClinVar variation 1500345 (VCV001500345.6), dbSNP rs761712789, ClinGen allele CA5650095.